The following is an entry in ClinVar:

ClinVar aggregate classification (germline): Uncertain significance (1 of 4 stars; one submission).

Conditions:
POLD1-related polyposis and colorectal cancer syndrome (CRCS10). Also called: Colorectal cancer 10; COLORECTAL CANCER, SUSCEPTIBILITY TO, ON CHROMOSOME 19q; Colorectal cancer, susceptibility to, 10. Identifiers: Orphanet 220460, MedGen C2675481, MONDO:0012953, OMIM 612591.

Submission:

Labcorp Genetics (formerly Invitae), Labcorp
Classification: Uncertain significance for POLD1-related polyposis and colorectal cancer syndrome. Last evaluated: 2023-02-07. Review status: criteria provided, single submitter. Criteria: Invitae Variant Classification Sherloc (09022015). Collection method: clinical testing. Allele origin: germline.
Comment: In summary, the available evidence is currently insufficient to determine the role of this variant in disease. Therefore, it has been classified as a Variant of Uncertain Significance. Advanced modeling of protein sequence and biophysical properties (such as structural, functional, and spatial information, amino acid conservation, physicochemical variation, residue mobility, and thermodynamic stability) performed at Invitae indicates that this missense variant is not expected to disrupt POLD1 protein function. This variant has not been reported in the literature in individuals affected with POLD1-related conditions. This variant is not present in population databases (gnomAD no frequency). This sequence change replaces glutamic acid, which is acidic and polar, with aspartic acid, which is acidic and polar, at codon 1067 of the POLD1 protein (p.Glu1067Asp).

NM_002691.4(POLD1):c.3201G>T (p.Glu1067Asp)

Gene: POLD1 (DNA polymerase delta 1, catalytic subunit; plus strand). Cytogenetic location: 19q13.33.
Variant type: single nucleotide variant.
Coding change: c.3201G>T on transcript NM_002691.4 (MANE Select); coding-DNA position 3201, G replaced by T.
Protein change: p.Glu1067Asp; replaces glutamic acid 1067 with aspartic acid.
Molecular consequence: missense variant. On other transcripts: non-coding transcript variant (1).
Genome position (GRCh38, 1-based): chr19:50,417,252, G>T. VCF-style: chr19-50417252-G-T. GRCh37 (hg19) VCF-style: chr19-50920509-G-T.
Other names: c.3201G>T, p.Glu1067Asp (NM_001256849.1); c.3279G>T, p.Glu1093Asp (NM_001308632.1); short protein forms E1067D, E1093D.
Identifiers: ClinVar variation 2835118 (VCV002835118.3), dbSNP rs1243457265, ClinGen allele CA406987519.